The following is an entry in ClinVar:

ClinVar aggregate classification (germline): Uncertain significance (1 of 4 stars; one submission).

Conditions:
Hereditary cancer-predisposing syndrome. Also called: Neoplastic Syndromes, Hereditary; Hereditary Cancer Syndrome; Tumor predisposition; Hereditary neoplastic syndrome. Identifiers: Orphanet 140162, MedGen C0027672, MeSH D009386, MONDO:0015356.

Submission:

Color Diagnostics, LLC DBA Color Health
Classification: Uncertain significance for Hereditary cancer-predisposing syndrome. Last evaluated: 2023-12-04. Review status: criteria provided, single submitter. Criteria: ACMG Guidelines, 2015. Collection method: clinical testing. Allele origin: germline.
Comment: This missense variant replaces glutamine with arginine at codon 2215 of the APC protein. Computational prediction suggests that this variant may not impact protein structure and function (internally defined REVEL score threshold <= 0.5, PMID: 27666373). To our knowledge, functional studies have not been reported for this variant. This variant has not been reported in individuals affected with APC-related disorders in the literature. This variant has not been identified in the general population by the Genome Aggregation Database (gnomAD). The available evidence is insufficient to determine the role of this variant in disease conclusively. Therefore, this variant is classified as a Variant of Uncertain Significance.

NM_000038.6(APC):c.6644A>G (p.Gln2215Arg)

Gene: APC (APC regulator of Wnt signaling pathway; plus strand). Cytogenetic location: 5q22.2.
Variant type: single nucleotide variant.
Coding change: c.6644A>G on transcript NM_000038.6 (MANE Select); coding-DNA position 6644, A replaced by G.
Protein change: p.Gln2215Arg; replaces glutamine 2215 with arginine.
Molecular consequence: missense variant.
Genome position (GRCh38, 1-based): chr5:112,842,238, A>G. VCF-style: chr5-112842238-A-G. GRCh37 (hg19) VCF-style: chr5-112177935-A-G.
Other names: c.6644A>G, p.Gln2215Arg (NM_001127510.3, NM_001354895.2); c.6569A>G, p.Gln2190Arg (NM_001354898.2); c.6590A>G, p.Gln2197Arg (NM_001127511.3); c.6698A>G, p.Gln2233Arg (NM_001354896.2); c.6674A>G, p.Gln2225Arg (NM_001354897.2); c.6560A>G, p.Gln2187Arg (NM_001354899.2); c.6521A>G, p.Gln2174Arg (NM_001354900.2); c.6467A>G, p.Gln2156Arg (NM_001354901.2); and 5 more; short protein forms Q2089R, Q2174R, Q2190R, Q2055R, Q2114R, Q2124R, Q2197R, Q2215R.
Identifiers: ClinVar variation 927165 (VCV000927165.4), dbSNP rs1766267410, ClinGen allele CA16035866.